The following is an entry in ClinVar:

NM_004260.4(RECQL4):c.94G>A (p.Glu32Lys)

Genes: RECQL4 (RecQ like helicase 4; minus strand), LOC130001411 (ATAC-STARR-seq lymphoblastoid silent region 19699; plus strand). Cytogenetic location: 8q24.3.
Variant type: single nucleotide variant.
Coding change: c.94G>A on transcript NM_004260.4 (MANE Select); coding-DNA position 94, G replaced by A.
Protein change: p.Glu32Lys; replaces glutamic acid 32 with lysine.
Molecular consequence: missense variant. On other transcripts: 5 prime UTR variant (17), non-coding transcript variant (3), intron variant (1).
Genome position (GRCh38, 1-based): chr8:144,517,626, C>T on the plus strand (G>A on the coding strand, the complement: RECQL4 is on the minus strand). VCF-style: chr8-144517626-C-T. GRCh37 (hg19) VCF-style: chr8-145743010-C-T.
Other names: c.94G>A, p.Glu32Lys (NM_001413017.1, NM_001413018.1, NM_001413019.1 and 5 more transcripts); c.-627G>A (NM_001413021.1); c.-978G>A (NM_001413022.1, NM_001413023.1, NM_001413037.1 and 2 more transcripts); c.-875G>A (NM_001413024.1, NM_001413035.1); c.-1040G>A (NM_001413027.1, NM_001413030.1, NM_001413031.1 and 1 more transcripts); c.-703G>A (NM_001413028.1); c.-937G>A (NM_001413032.1); c.-882G>A (NM_001413034.1); and 3 more; short protein forms E32K.
Identifiers: ClinVar variation 4152395 (VCV004152395.1).
Genomic context (GRCh38, chr8:144,517,626, plus strand): 5'-TGTCTTCTCGCCCCCGCCGCCCCGCCGCGCGCTCACCGCGGGTCTCCTCCGGCGCCGCCT[C>T]CACGTCGTCCTGTAAAGGGAACGCGTCAGCCGCGGGCCGCGCCCTCAGCCCCTCGGCCCC-3'
Protein context (NP_004251.4, residues 22-42): RGRRPSQDDV[Glu32Lys]AAPEETRALY

ClinVar aggregate classification (germline): Uncertain significance (1 of 4 stars; one submission).

Conditions:
Inborn genetic diseases. Identifiers: MedGen C0950123, MeSH D030342.

Submission:

Ambry Genetics
Classification: Uncertain significance for Inborn genetic diseases. Last evaluated: 2025-07-28. Review status: criteria provided, single submitter. Criteria: Ambry Variant Classification Scheme 2023. Collection method: clinical testing. Allele origin: germline.
Comment: The p.E32K variant (also known as c.94G>A), located in coding exon 2 of the RECQL4 gene, results from a G to A substitution at nucleotide position 94. The glutamic acid at codon 32 is replaced by lysine, an amino acid with similar properties. This amino acid position is conserved. In addition, this alteration is predicted to be tolerated by in silico analysis. Based on the available evidence, the clinical significance of this variant remains unclear.